The following is an entry in ClinVar:

NM_007186.6(CEP250):c.5727G>C (p.Gln1909His)

Gene: CEP250 (centrosomal protein 250; plus strand). Cytogenetic location: 20q11.22.
Variant type: single nucleotide variant.
Coding change: c.5727G>C on transcript NM_007186.6 (MANE Select); coding-DNA position 5727, G replaced by C.
Protein change: p.Gln1909His; replaces glutamine 1909 with histidine.
Molecular consequence: missense variant.
Genome position (GRCh38, 1-based): chr20:35,504,096, G>C. VCF-style: chr20-35504096-G-C. GRCh37 (hg19) VCF-style: chr20-34091924-G-C.
Other names: c.3831G>C, p.Gln1277His (NM_001318219.1); short protein forms Q1277H, Q1909H.
Identifiers: ClinVar variation 942559 (VCV000942559.9), dbSNP rs1316003631, ClinGen allele CA408754472.

ClinVar aggregate classification (germline): Uncertain significance (1 of 4 stars; one submission).

Allele frequency attached by ClinVar (database versions not stated): gnomAD exomes below 0.00001 and 0.00001.
gnomAD v4.1: 8 of 1,611,088 alleles (0.0005%); highest among the groups gnomAD compares: South Asian, 0.0088%; no homozygotes.

Submission:

Labcorp Genetics (formerly Invitae), Labcorp
Classification: Uncertain significance. Last evaluated: 2023-08-04. Review status: criteria provided, single submitter. Criteria: Invitae Variant Classification Sherloc (09022015). Collection method: clinical testing. Allele origin: germline.
Comment: This sequence change replaces glutamine, which is neutral and polar, with histidine, which is basic and polar, at codon 1909 of the CEP250 protein (p.Gln1909His). This variant is present in population databases (no rsID available, gnomAD 0.003%). This variant has not been reported in the literature in individuals affected with CEP250-related conditions. ClinVar contains an entry for this variant (Variation ID: 942559). An algorithm developed to predict the effect of missense changes on protein structure and function (PolyPhen-2) suggests that this variant is likely to be disruptive. In summary, the available evidence is currently insufficient to determine the role of this variant in disease. Therefore, it has been classified as a Variant of Uncertain Significance.